The following is an entry in ClinVar:

ClinVar aggregate classification (germline): Uncertain significance (1 of 4 stars; one submission).

Submission:

Labcorp Genetics (formerly Invitae), Labcorp
Classification: Uncertain significance. Last evaluated: 2025-11-23. Review status: criteria provided, single submitter. Criteria: Invitae Variant Classification Sherloc (09022015). Collection method: clinical testing. Allele origin: germline.
Comment: This sequence change creates a premature translational stop signal (p.Trp2326Glyfs*2) in the HMCN1 gene. It is expected to result in an absent or disrupted protein product. However, the current clinical and genetic evidence is not sufficient to establish whether loss-of-function variants in HMCN1 cause disease. This variant is not present in population databases (gnomAD no frequency). This variant has not been reported in the literature in individuals affected with HMCN1-related conditions. In summary, the available evidence is currently insufficient to determine the role of this variant in disease. Therefore, it has been classified as a Variant of Uncertain Significance.

NM_031935.3(HMCN1):c.6976del (p.Trp2326fs)

Gene: HMCN1 (hemicentin 1; plus strand). Cytogenetic location: 1q31.1.
Variant type: Deletion.
Coding change: c.6976del on transcript NM_031935.3 (MANE Select); coding-DNA position 6976, one base deleted (T; older notation c.6976delT).
Protein change: p.Trp2326fs; shifts the reading frame from tryptophan 2326.
Molecular consequence: frameshift variant.
Genome position (GRCh38, 1-based): chr1:186,055,506, T deleted. VCF-style (leftmost placement, unchanged base first): chr1-186055505-CT-C. GRCh37 (hg19) VCF-style: chr1-186024637-CT-C.
Other names: short protein forms W2326fs.
Identifiers: ClinVar variation 4731766 (VCV004731766.1).
Genomic context (GRCh38, chr1:186,055,505, plus strand): 5'-CCGAGGGAAGAGTATCTCCTTGGAGTGTGAGGTGCAGGGTATTCCACCACCAACAGTGAC[CT>C]GGATGAAAGATGGCCACCCCTTGATCAAGGCAAAGGGAGTAGAAATACTGGATGAAGGTC-3'